The following is an entry in ClinVar:

ClinVar aggregate classification (germline): Uncertain significance (1 of 4 stars; one submission).

Conditions:
Familial hemophagocytic lymphohistiocytosis 3 (FHL3). Also called: UNC13D-Related Familial Hemophagocytic Lymphohistiocytosis (UNC13D-fHLH). Identifiers: Orphanet 540, MedGen C1837174, MONDO:0012146, OMIM 608898.

Submission:

Labcorp Genetics (formerly Invitae), Labcorp
Classification: Uncertain significance for Familial hemophagocytic lymphohistiocytosis 3. Last evaluated: 2022-01-06. Review status: criteria provided, single submitter. Criteria: Invitae Variant Classification Sherloc (09022015). Collection method: clinical testing. Allele origin: germline.
Comment: Algorithms developed to predict the effect of missense changes on protein structure and function are either unavailable or do not agree on the potential impact of this missense change (SIFT: "Not Available"; PolyPhen-2: "Benign"; Align-GVGD: "Not Available"). In summary, the available evidence is currently insufficient to determine the role of this variant in disease. Therefore, it has been classified as a Variant of Uncertain Significance. This variant has not been reported in the literature in individuals affected with UNC13D-related conditions. This sequence change replaces aspartic acid, which is acidic and polar, with asparagine, which is neutral and polar, at codon 194 of the UNC13D protein (p.Asp194Asn). This variant is not present in population databases (gnomAD no frequency).

NM_199242.3(UNC13D):c.580G>A (p.Asp194Asn)

Gene: UNC13D (unc-13 homolog D; minus strand). Cytogenetic location: 17q25.1.
Variant type: single nucleotide variant.
Coding change: c.580G>A on transcript NM_199242.3 (MANE Select); coding-DNA position 580, G replaced by A.
Protein change: p.Asp194Asn; replaces aspartic acid 194 with asparagine.
Molecular consequence: missense variant.
Genome position (GRCh38, 1-based): chr17:75,840,991, C>T on the plus strand (G>A on the coding strand, the complement: UNC13D is on the minus strand). VCF-style: chr17-75840991-C-T. GRCh37 (hg19) VCF-style: chr17-73837072-C-T.
Other names: short protein forms D194N.
Identifiers: ClinVar variation 1931200 (VCV001931200.4), dbSNP rs2545986050, ClinGen allele CA401111833.
Genomic context (GRCh38, chr17:75,840,991, plus strand): 5'-CCCTAGGGGCAGGCCAGGTCACTCACCACATGTCCAGATGAAAGCTCGCATTGGTGATGT[C>T]CTCAAACTCCCTGTATGGAGAAAAGGGCGTGGTTGAGGGCCCTGGAGGGTGGATGCCCCC-3'
Protein context (NP_954712.1, residues 184-204): WDETFILEFE[Asp194Asn]ITNASFHLDM